The following is an entry in ClinVar:

NM_001005242.3(PKP2):c.2120C>T (p.Ser707Leu)

Gene: PKP2 (plakophilin 2; minus strand). Cytogenetic location: 12p11.21.
Variant type: single nucleotide variant.
Coding change: c.2120C>T on transcript NM_001005242.3 (MANE Select); coding-DNA position 2120, C replaced by T.
Protein change: p.Ser707Leu; replaces serine 707 with leucine.
Molecular consequence: missense variant.
Genome position (GRCh38, 1-based): chr12:32,802,450, G>A on the plus strand (C>T on the coding strand, the complement: PKP2 is on the minus strand). VCF-style: chr12-32802450-G-A. GRCh37 (hg19) VCF-style: chr12-32955384-G-A.
Other names: c.2120C>T, p.Ser707Leu (NM_001407155.1); c.1955C>T, p.Ser652Leu (NM_001407156.1); c.1793C>T, p.Ser598Leu (NM_001407158.1, NM_001407159.1, NM_001407160.1); c.2252C>T, p.Ser751Leu (NM_004572.4); short protein forms S598L, S652L, S707L, S751L.
Identifiers: ClinVar variation 3889655 (VCV003889655.2).

ClinVar aggregate classification (germline): Uncertain significance. Review status: criteria provided, multiple submitters, no conflicts (2 of 4 stars). 2 submissions from 2 submitters: Uncertain significance (2). Last evaluated 2025-10-14.

Conditions:
Cardiomyopathy (CMYO). Also called: Cardiomyopathies. Identifiers: Orphanet 167848, MedGen C0878544, MONDO:0004994, HP:0001638. Inheritance: Various modes of inheritance.
Cardiovascular phenotype. Identifiers: MedGen CN230736.

Submissions (2):

Color Diagnostics, LLC DBA Color Health
Classification: Uncertain significance for Cardiomyopathy. Last evaluated: 2025-10-14. Review status: criteria provided, single submitter. Criteria: ACMG Guidelines, 2015. Collection method: clinical testing. Allele origin: germline.
Comment: This missense variant replaces serine with leucine at codon 751 of the PKP2 protein. Computational prediction suggests that this variant may not impact protein structure and function. To our knowledge, functional studies have not been reported for this variant. This variant has not been reported in individuals affected with PKP2-related disorders in the literature. This variant has been identified in 2/1461850 chromosomes in the general population by the Genome Aggregation Database (gnomAD). The available evidence is insufficient to determine the role of this variant in disease conclusively. Therefore, this variant is classified as a Variant of Uncertain Significance.

Ambry Genetics
Classification: Uncertain significance for Cardiovascular phenotype. Last evaluated: 2025-03-01. Review status: criteria provided, single submitter. Criteria: Ambry Variant Classification Scheme 2023. Collection method: clinical testing. Allele origin: germline.